The following is an entry in ClinVar:

ClinVar aggregate classification (germline): Uncertain significance. Review status: criteria provided, multiple submitters, no conflicts (2 of 4 stars). 2 submissions from 2 submitters: Uncertain significance (2). Last evaluated 2025-12-04.

Conditions:
Hereditary spastic paraplegia 47. Also called: Spastic paraplegia 47, autosomal recessive; CEREBRAL PALSY, SPASTIC QUADRIPLEGIC, 5; adaptor protein 4 (AP-4) deficiency syndrome. Identifiers: Orphanet 280763, MedGen C3279738, MONDO:0013551, OMIM 614066.
Inborn genetic diseases. Identifiers: MedGen C0950123, MeSH D030342.

gnomAD v4.1: 2 of 1,614,218 alleles (0.00012%); highest among the groups gnomAD compares: Non-Finnish European, 0.00017%; no homozygotes.

Submissions (2):

Ambry Genetics
Classification: Uncertain significance for Inborn genetic diseases. Last evaluated: 2025-12-04. Review status: criteria provided, single submitter. Criteria: Ambry Variant Classification Scheme 2023. Collection method: clinical testing. Allele origin: germline.

Labcorp Genetics (formerly Invitae), Labcorp
Classification: Uncertain significance for Hereditary spastic paraplegia 47. Last evaluated: 2022-05-31. Review status: criteria provided, single submitter. Criteria: Invitae Variant Classification Sherloc (09022015). Collection method: clinical testing. Allele origin: germline.
Comment: This variant is not present in population databases (gnomAD no frequency). This variant has not been reported in the literature in individuals affected with AP4B1-related conditions. Algorithms developed to predict the effect of missense changes on protein structure and function (SIFT, PolyPhen-2, Align-GVGD) all suggest that this variant is likely to be tolerated. In summary, the available evidence is currently insufficient to determine the role of this variant in disease. Therefore, it has been classified as a Variant of Uncertain Significance. This sequence change replaces isoleucine, which is neutral and non-polar, with serine, which is neutral and polar, at codon 575 of the AP4B1 protein (p.Ile575Ser).

NM_001253852.3(AP4B1):c.1724T>G (p.Ile575Ser)

Genes: AP4B1 (adaptor related protein complex 4 subunit beta 1; minus strand), AP4B1-AS1 (AP4B1 antisense RNA 1; plus strand). Cytogenetic location: 1p13.2.
Variant type: single nucleotide variant.
Coding change: c.1724T>G on transcript NM_001253852.3 (MANE Select); coding-DNA position 1724, T replaced by G.
Protein change: p.Ile575Ser; replaces isoleucine 575 with serine.
Molecular consequence: missense variant.
Genome position (GRCh38, 1-based): chr1:113,895,825, A>C on the plus strand (T>G on the coding strand, the complement: AP4B1 is on the minus strand). VCF-style: chr1-113895825-A-C. GRCh37 (hg19) VCF-style: chr1-114438447-A-C.
Other names: c.1427T>G, p.Ile476Ser (NM_001253853.3); c.1220T>G, p.Ile407Ser (NM_001308312.2); c.1724T>G, p.Ile575Ser (NM_006594.5); c.1724T>G (NM_006594.2); short protein forms I407S, I575S, I476S.
Identifiers: ClinVar variation 2182991 (VCV002182991.5), dbSNP rs955613523, ClinGen allele CA28995094.